The following is an entry in ClinVar:

ClinVar aggregate classification (germline): Conflicting classifications of pathogenicity. Review status: criteria provided, conflicting classifications (1 of 4 stars). 6 submissions from 6 submitters: Uncertain significance (5); Likely benign (1). Last evaluated 2026-01-06.

Conditions:
APC-related disorder. Also called: APC-related condition.
Familial adenomatous polyposis 1 (FAP1). Also called: POLYPOSIS, ADENOMATOUS INTESTINAL; FAMILIAL ADENOMATOUS POLYPOSIS 1, ATTENUATED. Identifiers: MedGen C2713442, MONDO:0021056, OMIM 175100. Disease mechanism: loss of function.
Classic or attenuated familial adenomatous polyposis. Identifiers: MedGen CN372698, MONDO:0021057.
Hereditary cancer-predisposing syndrome. Also called: Hereditary neoplastic syndrome; Neoplastic Syndromes, Hereditary; Tumor predisposition; Hereditary Cancer Syndrome. Identifiers: Orphanet 140162, MedGen C0027672, MeSH D009386, MONDO:0015356.

Allele frequency attached by ClinVar (database versions not stated): TOPMed below 0.00001; ExAC 0.00001; gnomAD exomes 0.00001.

Submissions (6):

Labcorp Genetics (formerly Invitae), Labcorp
Classification: Uncertain significance for Familial adenomatous polyposis 1. Last evaluated: 2026-01-06. Review status: criteria provided, single submitter. Criteria: Invitae Variant Classification Sherloc (09022015). Collection method: clinical testing. Allele origin: germline.
Comment: This sequence change replaces serine, which is neutral and polar, with asparagine, which is neutral and polar, at codon 2185 of the APC protein (p.Ser2185Asn). This variant is present in population databases (rs764255983, gnomAD 0.003%). This variant has not been reported in the literature in individuals affected with APC-related conditions. ClinVar contains an entry for this variant (Variation ID: 470052). Invitae Evidence Modeling of protein sequence and biophysical properties (such as structural, functional, and spatial information, amino acid conservation, physicochemical variation, residue mobility, and thermodynamic stability) indicates that this missense variant is not expected to disrupt APC protein function with a negative predictive value of 95%. In summary, the available evidence is currently insufficient to determine the role of this variant in disease. Therefore, it has been classified as a Variant of Uncertain Significance.

GeneDx
Classification: Uncertain significance. Last evaluated: 2024-01-17. Review status: criteria provided, single submitter. Criteria: GeneDx Variant Classification Process June 2021. Collection method: clinical testing. Allele origin: germline. Affected: yes.
Comment: Not observed at significant frequency in large population cohorts (gnomAD); In silico analysis supports that this missense variant does not alter protein structure/function; Has not been previously published as pathogenic or benign to our knowledge

All of Us Research Program, National Institutes of Health
Classification: Uncertain significance for Classic or attenuated familial adenomatous polyposis. Last evaluated: 2023-11-28. Review status: criteria provided, single submitter. Criteria: ACMG Guidelines, 2015. Collection method: clinical testing. Allele origin: germline. Inheritance: Autosomal dominant inheritance. Observed: 4 variant alleles, 4 heterozygotes.
Comment: This missense variant replaces serine with asparagine at codon 2185 of the APC protein. Computational prediction suggests that this variant may not impact protein structure and function (internally defined REVEL score threshold <= 0.5, PMID: 27666373). To our knowledge, functional studies have not been reported for this variant. This variant has not been reported in individuals affected with APC-related disorders in the literature. This variant has been identified in 2/249160 chromosomes in the general population by the Genome Aggregation Database (gnomAD). The available evidence is insufficient to determine the role of this variant in disease conclusively. Therefore, this variant is classified as a Variant of Uncertain Significance.

This study involves interpretation of variants in research participants for the purpose of population health screening. Participant phenotype was not available at the time of variant classification. Additional details can be found in publication PMID: 35346344, PMCID: PMC8962531

Color Diagnostics, LLC DBA Color Health
Classification: Uncertain significance for Hereditary cancer-predisposing syndrome. Last evaluated: 2023-07-26. Review status: criteria provided, single submitter. Criteria: ACMG Guidelines, 2015. Collection method: clinical testing. Allele origin: germline.
Comment: This missense variant replaces serine with asparagine at codon 2185 of the APC protein. Computational prediction suggests that this variant may not impact protein structure and function (internally defined REVEL score threshold <= 0.5, PMID: 27666373). To our knowledge, functional studies have not been reported for this variant. This variant has not been reported in individuals affected with APC-related disorders in the literature. This variant has been identified in 2/249160 chromosomes in the general population by the Genome Aggregation Database (gnomAD). The available evidence is insufficient to determine the role of this variant in disease conclusively. Therefore, this variant is classified as a Variant of Uncertain Significance.

PreventionGenetics, part of Exact Sciences
Classification: Uncertain significance for APC-related condition. Last evaluated: 2023-04-17. Review status: criteria provided, single submitter. Criteria: ACMG Guidelines, 2015. Collection method: clinical testing. Allele origin: germline.
Comment: The APC c.6554G>A variant is predicted to result in the amino acid substitution p.Ser2185Asn. To our knowledge, this variant has not been reported in the literature. This variant is reported in 2 of ~249,000 alleles in gnomAD. It has conflicting interpretations of likely benign and uncertain significance in ClinVar. At this time, the clinical significance of this variant is uncertain due to the absence of conclusive functional and genetic evidence.

Ambry Genetics
Classification: Likely benign for Hereditary cancer-predisposing syndrome. Last evaluated: 2019-01-24. Review status: criteria provided, single submitter. Criteria: Ambry Variant Classification Scheme 2023. Collection method: clinical testing. Allele origin: germline.

NM_000038.6(APC):c.6554G>A (p.Ser2185Asn)

Gene: APC (APC regulator of Wnt signaling pathway; plus strand). Cytogenetic location: 5q22.2.
Variant type: single nucleotide variant.
Coding change: c.6554G>A on transcript NM_000038.6 (MANE Select); coding-DNA position 6554, G replaced by A.
Protein change: p.Ser2185Asn; replaces serine 2185 with asparagine.
Molecular consequence: missense variant.
Genome position (GRCh38, 1-based): chr5:112,842,148, G>A. VCF-style: chr5-112842148-G-A. GRCh37 (hg19) VCF-style: chr5-112177845-G-A.
Other names: c.6554G>A, p.Ser2185Asn (NM_001127510.3, NM_001354895.2); c.6500G>A, p.Ser2167Asn (NM_001127511.3); c.6608G>A, p.Ser2203Asn (NM_001354896.2); c.6584G>A, p.Ser2195Asn (NM_001354897.2); c.6479G>A, p.Ser2160Asn (NM_001354898.2); c.6470G>A, p.Ser2157Asn (NM_001354899.2); c.6431G>A, p.Ser2144Asn (NM_001354900.2); c.6377G>A, p.Ser2126Asn (NM_001354901.2); and 5 more; short protein forms S2185N, S2167N, S1902N, S2059N, S2094N, S2160N, S2195N, S2203N.
Identifiers: ClinVar variation 470052 (VCV000470052.27), dbSNP rs764255983, ClinGen allele CA045325.
Genomic context (GRCh38, chr5:112,842,148, plus strand): 5'-CACGAATTCTAAAACCAGGGGAGAAAAGTACATTGGAAACTAAAAAGATAGAATCTGAAA[G>A]TAAAGGAATCAAAGGAGGAAAAAAAGTTTATAAAAGTTTGATTACTGGAAAAGTTCGATC-3'
Protein context (NP_000029.2, residues 2175-2195): TLETKKIESE[Ser2185Asn]KGIKGGKKVY